The following is an entry in ClinVar:

ClinVar aggregate classification (germline): Likely benign (1 of 4 stars; one submission).

gnomAD v4.1: 11 of 1,611,530 alleles (0.00068%); highest among the groups gnomAD compares: East Asian, 0.022%; no homozygotes.

Submission:

GeneDx
Classification: Likely benign. Last evaluated: 2016-05-17. Review status: criteria provided, single submitter. Criteria: GeneDx Variant Classification (06012015). Collection method: clinical testing. Allele origin: germline. Affected: yes.
Comment: This variant is considered likely benign or benign based on one or more of the following criteria: it is a conservative change, it occurs at a poorly conserved position in the protein, it is predicted to be benign by multiple in silico algorithms, and/or has population frequency not consistent with disease.

NM_005633.4(SOS1):c.*12C>T

Gene: SOS1 (SOS Ras/Rac guanine nucleotide exchange factor 1; minus strand). Cytogenetic location: 2p22.1.
Variant type: single nucleotide variant.
Coding change: c.*12C>T on transcript NM_005633.4 (MANE Select); 12 bases downstream of the stop codon, C replaced by T.
Molecular consequence: 3 prime UTR variant.
Genome position (GRCh38, 1-based): chr2:38,985,812, G>A on the plus strand (C>T on the coding strand, the complement: SOS1 is on the minus strand). VCF-style: chr2-38985812-G-A. GRCh37 (hg19) VCF-style: chr2-39212953-G-A.
Other names: c.*12C>T (NM_001382394.1, NM_001382395.1).
Identifiers: ClinVar variation 386149 (VCV000386149.1), dbSNP rs1057522437, ClinGen allele CA16604187.
Genomic context (GRCh38, chr2:38,985,812, plus strand): 5'-GGCACATTCAGTGCATCCATTGCCAGCAATGGATTTGGGGCTAGGAAAATATACATCCCA[G>A]TACAGAGGAACTCAGGAAGAATGGGCATTCTCCAACAGTGGTGGTCCATCTCTGTGCATG-3'